The following is an entry in ClinVar:

NM_004656.4(BAP1):c.1225G>C (p.Val409Leu)

Gene: BAP1 (BRCA1 associated deubiquitinase 1; minus strand). Cytogenetic location: 3p21.1.
Variant type: single nucleotide variant.
Coding change: c.1225G>C on transcript NM_004656.4 (MANE Select); coding-DNA position 1225, G replaced by C.
Protein change: p.Val409Leu; replaces valine 409 with leucine.
Molecular consequence: missense variant.
Genome position (GRCh38, 1-based): chr3:52,404,478, C>G on the plus strand (G>C on the coding strand, the complement: BAP1 is on the minus strand). VCF-style: chr3-52404478-C-G. GRCh37 (hg19) VCF-style: chr3-52438494-C-G.
Other names: c.1225G>C (NM_004656.2); short protein forms V409L.
Identifiers: ClinVar variation 1053711 (VCV001053711.9), dbSNP rs756443059, ClinGen allele CA74741329.

ClinVar aggregate classification (germline): Conflicting classifications of pathogenicity. Review status: criteria provided, conflicting classifications (1 of 4 stars). 3 submissions from 3 submitters: Uncertain significance (2); Benign (1). Last evaluated 2025-04-16.

Conditions:
Hereditary cancer-predisposing syndrome. Also called: Hereditary Cancer Syndrome; Tumor predisposition; Hereditary neoplastic syndrome; Neoplastic Syndromes, Hereditary. Identifiers: Orphanet 140162, MedGen C0027672, MeSH D009386, MONDO:0015356.
BAP1-related tumor predisposition syndrome (TPDS1). Also called: BAP1 tumor predisposition syndrome; COMMON Syndrome; Tumor susceptibility linked to germline BAP1 mutations; TUMOR PREDISPOSITION SYNDROME 1. Identifiers: Orphanet 289539, MedGen C3280492, MONDO:0013692, OMIM 614327.

Submissions (3):

Ambry Genetics
Classification: Benign for Hereditary cancer-predisposing syndrome. Last evaluated: 2025-04-16. Review status: criteria provided, single submitter. Criteria: Ambry Variant Classification Scheme 2023. Collection method: clinical testing. Allele origin: germline.

GeneDx
Classification: Uncertain significance. Last evaluated: 2023-07-20. Review status: criteria provided, single submitter. Criteria: GeneDx Variant Classification Process June 2021. Collection method: clinical testing. Allele origin: germline. Affected: yes.
Comment: Not observed in large population cohorts (gnomAD); In silico analysis, which includes protein predictors and evolutionary conservation, supports that this variant does not alter protein structure/function; Observed in individuals with melanoma (O'Shea et al., 2017); This variant is associated with the following publications: (PMID: 28062663)

Labcorp Genetics (formerly Invitae), Labcorp
Classification: Uncertain significance for BAP1-related tumor predisposition syndrome. Last evaluated: 2021-09-25. Review status: criteria provided, single submitter. Criteria: Invitae Variant Classification Sherloc (09022015). Collection method: clinical testing. Allele origin: germline.
Comment: This variant is not present in population databases (ExAC no frequency). In summary, the available evidence is currently insufficient to determine the role of this variant in disease. Therefore, it has been classified as a Variant of Uncertain Significance. Algorithms developed to predict the effect of missense changes on protein structure and function (SIFT, PolyPhen-2, Align-GVGD) all suggest that this variant is likely to be tolerated. This missense change has been observed in individual(s) with melanoma (PMID: 28062663). This sequence change replaces valine with leucine at codon 409 of the BAP1 protein (p.Val409Leu). The valine residue is moderately conserved and there is a small physicochemical difference between valine and leucine.

Literature cited by the submitters: PubMed 28062663 (cited by Labcorp Genetics (formerly Invitae), Labcorp).